The following is an entry in ClinVar:

NM_004655.4(AXIN2):c.2207C>T (p.Pro736Leu)

Gene: AXIN2 (axin 2; minus strand). Cytogenetic location: 17q24.1.
Variant type: single nucleotide variant.
Coding change: c.2207C>T on transcript NM_004655.4 (MANE Select); coding-DNA position 2207, C replaced by T.
Protein change: p.Pro736Leu; replaces proline 736 with leucine.
Molecular consequence: missense variant.
Genome position (GRCh38, 1-based): chr17:65,535,656, G>A on the plus strand (C>T on the coding strand, the complement: AXIN2 is on the minus strand). VCF-style: chr17-65535656-G-A. GRCh37 (hg19) VCF-style: chr17-63531774-G-A.
Other names: c.2207C>T (LRG_296t1); c.2012C>T, p.Pro671Leu (NM_001363813.1); short protein forms P736L, P671L.
Identifiers: ClinVar variation 533186 (VCV000533186.13), dbSNP rs778332146, ClinGen allele CA8718377.

ClinVar aggregate classification (germline): Conflicting classifications of pathogenicity. Review status: criteria provided, conflicting classifications (1 of 4 stars). 3 submissions from 3 submitters: Uncertain significance (2); Likely benign (1). Last evaluated 2025-12-28.

Conditions:
Oligodontia-cancer predisposition syndrome. Also called: TOOTH AGENESIS-COLORECTAL CANCER SYNDROME. Identifiers: Orphanet 300576, MedGen C1837750, MONDO:0012075, OMIM 608615. Disease mechanism: loss of function.
Colorectal cancer. Also called: Colorectal cancer, somatic; Malignant Colorectal Neoplasm. Identifiers: MedGen C0346629, MONDO:0005575, OMIM 114500.
Hereditary cancer-predisposing syndrome. Also called: Hereditary neoplastic syndrome; Neoplastic Syndromes, Hereditary; Tumor predisposition; Hereditary Cancer Syndrome. Identifiers: Orphanet 140162, MedGen C0027672, MeSH D009386, MONDO:0015356.

Allele frequency attached by ClinVar (database versions not stated): gnomAD 0.00001; gnomAD exomes 0.00001; ExAC 0.00002.
gnomAD v4.1: 14 of 1,614,066 alleles (0.00087%); highest among the groups gnomAD compares: South Asian, 0.0077%; no homozygotes.

Submissions (3):

Labcorp Genetics (formerly Invitae), Labcorp
Classification: Uncertain significance for Oligodontia-cancer predisposition syndrome. Last evaluated: 2025-12-28. Review status: criteria provided, single submitter. Criteria: Invitae Variant Classification Sherloc (09022015). Collection method: clinical testing. Allele origin: germline.
Comment: This sequence change replaces proline, which is neutral and non-polar, with leucine, which is neutral and non-polar, at codon 736 of the AXIN2 protein (p.Pro736Leu). This variant is present in population databases (rs778332146, gnomAD 0.01%). This variant has not been reported in the literature in individuals affected with AXIN2-related conditions. ClinVar contains an entry for this variant (Variation ID: 533186). An algorithm developed to predict the effect of missense changes on protein structure and function outputs the following: PolyPhen-2: "Benign". The leucine amino acid residue is found in multiple mammalian species, which suggests that this missense change does not adversely affect protein function. In summary, the available evidence is currently insufficient to determine the role of this variant in disease. Therefore, it has been classified as a Variant of Uncertain Significance.

Ambry Genetics
Classification: Likely benign for Hereditary cancer-predisposing syndrome. Last evaluated: 2024-08-13. Review status: criteria provided, single submitter. Criteria: Ambry Variant Classification Scheme 2023. Collection method: clinical testing. Allele origin: germline.

Baylor Genetics
Classification: Uncertain significance for Colorectal cancer. Last evaluated: 2024-03-05. Review status: criteria provided, single submitter. Criteria: ACMG Guidelines, 2015. Collection method: clinical testing. Allele origin: unknown.